The following is an entry in ClinVar:

ClinVar aggregate classification (germline): Uncertain significance (1 of 4 stars; one submission).

gnomAD v4.1: 105 of 1,613,972 alleles (0.0065%); highest among the groups gnomAD compares: Non-Finnish European, 0.0086%; no homozygotes.

Submission:

Athena Diagnostics
Classification: Uncertain significance. Last evaluated: 2024-10-29. Review status: criteria provided, single submitter. Criteria: Athena Diagnostics Criteria. Collection method: clinical testing. Allele origin: unknown.
Comment: Available data are insufficient to determine the clinical significance of the variant at this time. The frequency of this variant in the general population is higher than would generally be expected for pathogenic variants in this gene. Polyphen and MutationTaster yielded discordant predictions regarding whether this amino acid change is damaging to the protein.

Literature cited by the submitters: PubMed 29970176; PubMed 33432171; PubMed 27270108.

NM_198994.3(TGM6):c.566T>A (p.Ile189Asn)

Gene: TGM6 (transglutaminase 6; plus strand). Cytogenetic location: 20p13.
Variant type: single nucleotide variant.
Coding change: c.566T>A on transcript NM_198994.3 (MANE Select); coding-DNA position 566, T replaced by A.
Protein change: p.Ile189Asn; replaces isoleucine 189 with asparagine.
Molecular consequence: missense variant.
Genome position (GRCh38, 1-based): chr20:2,397,940, T>A. VCF-style: chr20-2397940-T-A. GRCh37 (hg19) VCF-style: chr20-2378586-T-A.
Other names: c.566T>A, p.Ile189Asn (NM_001254734.2); short protein forms I189N.
Identifiers: ClinVar variation 3571596 (VCV003571596.1).